The following is an entry in ClinVar:

ClinVar aggregate classification (germline): Likely benign (0 of 4 stars; one submission).

Conditions:
CRISPLD2-related disorder. Also called: CRISPLD2-related condition.

Allele frequency attached by ClinVar (database versions not stated): gnomAD exomes 0.00001; TOPMed 0.00002; ExAC 0.00004.
gnomAD v4.1: 20 of 1,613,976 alleles (0.0012%); highest among the groups gnomAD compares: Middle Eastern, 0.016%; no homozygotes.

Submission:

PreventionGenetics, part of Exact Sciences
Classification: Likely benign for CRISPLD2-related condition. Last evaluated: 2020-09-30. Review status: no assertion criteria provided. Collection method: clinical testing. Allele origin: germline.
Comment: This variant is classified as likely benign based on ACMG/AMP sequence variant interpretation guidelines (Richards et al. 2015 PMID: 25741868, with internal and published modifications).

NM_031476.4(CRISPLD2):c.1077C>T (p.Phe359=)

Gene: CRISPLD2 (cysteine rich secretory protein LCCL domain containing 2; plus strand). Cytogenetic location: 16q24.1.
Variant type: single nucleotide variant.
Coding change: c.1077C>T on transcript NM_031476.4 (MANE Select); coding-DNA position 1077, C replaced by T.
Protein change: p.Phe359=; no amino-acid change (phenylalanine 359 retained).
Molecular consequence: synonymous variant.
Genome position (GRCh38, 1-based): chr16:84,873,087, C>T. VCF-style: chr16-84873087-C-T. GRCh37 (hg19) VCF-style: chr16-84906693-C-T.
Identifiers: ClinVar variation 3032242 (VCV003032242.2), dbSNP rs762791289, ClinGen allele CA8211880.